The following is an entry in ClinVar:

NM_001112741.2(KCNC1):c.950G>A (p.Arg317His)

Gene: KCNC1 (potassium voltage-gated channel subfamily C member 1; plus strand). Cytogenetic location: 11p15.1.
Variant type: single nucleotide variant.
Coding change: c.950G>A on transcript NM_001112741.2 (MANE Select); coding-DNA position 950, G replaced by A.
Protein change: p.Arg317His; replaces arginine 317 with histidine.
Molecular consequence: missense variant.
Genome position (GRCh38, 1-based): chr11:17,772,044, G>A. VCF-style: chr11-17772044-G-A. GRCh37 (hg19) VCF-style: chr11-17793591-G-A.
Other names: c.950G>A, p.Arg317His (NM_004976.4); short protein forms R317H.
Identifiers: ClinVar variation 522132 (VCV000522132.8), dbSNP rs1554991338, ClinGen allele CA379807201.
Genomic context (GRCh38, chr11:17,772,044, plus strand): 5'-GCCTGTCCTCCAAGGCAGCCAAGGACGTGCTGGGCTTCCTGCGCGTCGTCCGCTTCGTGC[G>A]CATCTTGCGCATCTTTAAGCTGACCCGCCACTTTGTGGGCCTGCGGGTCCTGGGCCACAC-3'
Protein context (NP_001106212.1, residues 307-327): LGFLRVVRFV[Arg317His]ILRIFKLTRH

ClinVar aggregate classification (germline): Conflicting classifications of pathogenicity. Review status: criteria provided, conflicting classifications (1 of 4 stars). 3 submissions from 3 submitters: Pathogenic (1); Likely pathogenic (1); Uncertain significance (1). Last evaluated 2025-12-17.

Conditions:
KCNC1-related disorder. Also called: KCNC1-Related Disorders; KCNC1-related condition. Identifiers: MedGen CN381541.
Inborn genetic diseases. Identifiers: MedGen C0950123, MeSH D030342.

Submissions (3):

GeneDx
Classification: Pathogenic. Last evaluated: 2025-12-17. Review status: criteria provided, single submitter. Criteria: GeneDx Variant Classification Process June 2021. Collection method: clinical testing. Allele origin: germline. Affected: yes.
Comment: Identified in an individual with mild intellectual disability, autism, and cerebellar and posterior pontine atrophy who also harbored a variant in the MAOA gene (PMID: 31353855); Published functional studies suggest a damaging effect: significant reduction in current amplitude demonstrating a dominant-negative effect (PMID: 31353855); Not observed at significant frequency in large population cohorts (gnomAD); In silico analysis supports that this missense variant has a deleterious effect on protein structure/function; This variant is associated with the following publications: (PMID: 39411003, 37203213, 34733949, 32655623, 31353855, 25401298)

Blueprint Genetics
Classification: Likely pathogenic for KCNC1-related disorders. Last evaluated: 2023-06-06. Review status: criteria provided, single submitter. Criteria: ACMG Guidelines, 2015. Collection method: clinical testing. Allele origin: germline. Affected: yes. Observed: 1 variant allele.

Ambry Genetics
Classification: Uncertain significance for Inborn genetic diseases. Last evaluated: 2017-10-16. Review status: criteria provided, single submitter. Criteria: Ambry exome assertion method (8-5-2015). Collection method: clinical testing. Allele origin: germline. Affected: yes. Observed: 1 variant allele.